The following is an entry in ClinVar:

NM_177438.3(DICER1):c.5156A>C (p.His1719Pro)

Gene: DICER1 (dicer 1, ribonuclease III; minus strand). Cytogenetic location: 14q32.13.
Variant type: single nucleotide variant.
Coding change: c.5156A>C on transcript NM_177438.3 (MANE Select); coding-DNA position 5156, A replaced by C.
Protein change: p.His1719Pro; replaces histidine 1719 with proline.
Molecular consequence: missense variant. On other transcripts: non-coding transcript variant (6).
Genome position (GRCh38, 1-based): chr14:95,094,096, T>G on the plus strand (A>C on the coding strand, the complement: DICER1 is on the minus strand). VCF-style: chr14-95094096-T-G. GRCh37 (hg19) VCF-style: chr14-95560433-T-G.
Other names: c.5156A>C, p.His1719Pro (NM_001195573.1, NM_001271282.3, NM_001291628.2 and 9 more transcripts); c.4874A>C, p.His1625Pro (NM_001395686.1); c.4751A>C, p.His1584Pro (NM_001395687.1, NM_001395688.1, NM_001395689.1 and 1 more transcripts); c.4589A>C, p.His1530Pro (NM_001395691.1); c.3473A>C, p.His1158Pro (NM_001395697.1); short protein forms H1158P, H1530P, H1584P, H1625P, H1719P.
Identifiers: ClinVar variation 1713308 (VCV001713308.6), dbSNP rs2139815071, ClinGen allele CA390865322.

ClinVar aggregate classification (germline): Uncertain significance (1 of 4 stars; one submission).

Conditions:
DICER1-related tumor predisposition. Also called: DICER1 syndrome; DICER1-related pleuropulmonary blastoma cancer predisposition syndrome. Identifiers: Orphanet 284343, MedGen C3839822, MONDO:0100216.

Submission:

Labcorp Genetics (formerly Invitae), Labcorp
Classification: Uncertain significance for DICER1-related tumor predisposition. Last evaluated: 2022-07-22. Review status: criteria provided, single submitter. Criteria: Invitae Variant Classification Sherloc (09022015). Collection method: clinical testing. Allele origin: germline.
Comment: This sequence change replaces histidine, which is basic and polar, with proline, which is neutral and non-polar, at codon 1719 of the DICER1 protein (p.His1719Pro). This variant is not present in population databases (gnomAD no frequency). This variant has not been reported in the literature in individuals affected with DICER1-related conditions. Algorithms developed to predict the effect of missense changes on protein structure and function are either unavailable or do not agree on the potential impact of this missense change (SIFT: "Deleterious"; PolyPhen-2: "Possibly Damaging"; Align-GVGD: "Class C0"). In summary, the available evidence is currently insufficient to determine the role of this variant in disease. Therefore, it has been classified as a Variant of Uncertain Significance.